The following is an entry in ClinVar:

ClinVar aggregate classification (germline): Uncertain significance (1 of 4 stars; one submission).

Conditions:
Beckwith-Wiedemann syndrome (BWS). Also called: Exomphalos macroglossia gigantism syndrome; EMG SYNDROME. Identifiers: Orphanet 116, MedGen C0004903, MONDO:0007534, OMIM 130650.

Allele frequency attached by ClinVar (database versions not stated): gnomAD exomes below 0.00001.
gnomAD v4.1: 2 of 885,472 alleles (0.00023%); highest among the groups gnomAD compares: Non-Finnish European, 0.00014%; no homozygotes.

Submission:

Labcorp Genetics (formerly Invitae), Labcorp
Classification: Uncertain significance for Beckwith-Wiedemann syndrome. Last evaluated: 2025-08-04. Review status: criteria provided, single submitter. Criteria: Invitae Variant Classification Sherloc (09022015). Collection method: clinical testing. Allele origin: germline.
Comment: This sequence change replaces alanine, which is neutral and non-polar, with threonine, which is neutral and polar, at codon 199 of the CDKN1C protein (p.Ala199Thr). The frequency data for this variant in the population databases is considered unreliable, as metrics indicate insufficient coverage at this position in the gnomAD database. This variant has not been reported in the literature in individuals affected with CDKN1C-related conditions. ClinVar contains an entry for this variant (Variation ID: 1490636). Invitae Evidence Modeling of protein sequence and biophysical properties (such as structural, functional, and spatial information, amino acid conservation, physicochemical variation, residue mobility, and thermodynamic stability) indicates that this missense variant is not expected to disrupt CDKN1C protein function with a negative predictive value of 80%. In summary, the available evidence is currently insufficient to determine the role of this variant in disease. Therefore, it has been classified as a Variant of Uncertain Significance.

NM_001122630.2(CDKN1C):c.562G>A (p.Ala188Thr)

Gene: CDKN1C (cyclin dependent kinase inhibitor 1C; minus strand). Cytogenetic location: 11p15.4.
Variant type: single nucleotide variant.
Coding change: c.562G>A on transcript NM_001122630.2 (MANE Select); coding-DNA position 562, G replaced by A.
Protein change: p.Ala188Thr; replaces alanine 188 with threonine.
Molecular consequence: missense variant. On other transcripts: intron variant (1).
Genome position (GRCh38, 1-based): chr11:2,884,895, C>T on the plus strand (G>A on the coding strand, the complement: CDKN1C is on the minus strand). VCF-style: chr11-2884895-C-T. GRCh37 (hg19) VCF-style: chr11-2906125-C-T.
Other names: c.595G>A, p.Ala199Thr (NM_000076.2, NM_001362474.2); c.562G>A, p.Ala188Thr (NM_001122631.2); c.255+307G>A (NM_001362475.2); short protein forms A188T, A199T.
Identifiers: ClinVar variation 1490636 (VCV001490636.8), dbSNP rs1422110653, ClinGen allele CA379146369.
Genomic context (GRCh38, chr11:2,884,895, plus strand): 5'-CCGCGTCCGGGGCCGGGGCCGGGGCGGGGGCCGGGGCCGGGGCCGGGGCCGGGGCTGGGG[C>T]CGGGGCCGCGACTGGAGCCGGGGCCGGAGCCGGAGCCGGAGCCGGGGCCGGGGCCGGGGC-3'
Protein context (NP_001116102.1, residues 178-198): APAPAPVAAP[Ala188Thr]PAPAPAPAPA